The following is an entry in ClinVar:

NC_000023.10:g.(?_22186409)_(22208639_?)del

Gene: PHEX (phosphate regulating endopeptidase X-linked; plus strand). Cytogenetic location: Xp22.11.
Variant type: Deletion.
Identifiers: ClinVar variation 2423105 (VCV002423105.4).

ClinVar aggregate classification (germline): Pathogenic (1 of 4 stars; one submission).

Submission:

Labcorp Genetics (formerly Invitae), Labcorp
Classification: Pathogenic. Last evaluated: 2022-08-31. Review status: criteria provided, single submitter. Criteria: Invitae Variant Classification Sherloc (09022015). Collection method: clinical testing. Allele origin: germline.
Comment: For these reasons, this variant has been classified as Pathogenic. A similar copy number variant has been observed in individual(s) with hypophosphatemic rickets (PMID: 21902834). This variant is a gross deletion of the genomic region encompassing exon(s) 13-15 of the PHEX gene. This deletion is out-of-frame, and is expected to create a premature termination codon and result in an absent or disrupted protein product. Loss-of-function variants in PHEX are known to be pathogenic (PMID: 9097956, 9106524, 19219621).

Literature cited by the submitters: PubMed 21902834; PubMed 9097956; PubMed 9106524; PubMed 19219621.